The following is an entry in ClinVar:

NM_004612.4(TGFBR1):c.640G>A (p.Gly214Ser)

Gene: TGFBR1 (transforming growth factor beta receptor 1; plus strand). Cytogenetic location: 9q22.33.
Variant type: single nucleotide variant.
Coding change: c.640G>A on transcript NM_004612.4 (MANE Select); coding-DNA position 640, G replaced by A.
Protein change: p.Gly214Ser; replaces glycine 214 with serine.
Molecular consequence: missense variant.
Genome position (GRCh38, 1-based): chr9:99,137,924, G>A. VCF-style: chr9-99137924-G-A. GRCh37 (hg19) VCF-style: chr9-101900206-G-A.
Other names: c.409G>A, p.Gly137Ser (NM_001130916.3); c.652G>A, p.Gly218Ser (NM_001306210.2); short protein forms G214S, G137S, G218S.
Identifiers: ClinVar variation 488621 (VCV000488621.4), dbSNP rs727503470, ClinGen allele CA374229530.

ClinVar aggregate classification (germline): Pathogenic/Likely pathogenic. Review status: criteria provided, multiple submitters, no conflicts (2 of 4 stars). 2 submissions from 2 submitters: Pathogenic (1); Likely pathogenic (1). Last evaluated 2023-09-18.

Conditions:
Loeys-Dietz syndrome 1 (LDS1). Also called: TGFBR1-Related Loeys-Dietz Syndrome; AORTIC ANEURYSM, FAMILIAL THORACIC 5; FURLONG SYNDROME. Identifiers: Orphanet 60030, MedGen C4551955, MONDO:0012212, OMIM 609192.

Submissions (2):

Centre of Medical Genetics, University Hospital Muenster
Classification: Pathogenic for Loeys-Dietz syndrome 1. Last evaluated: 2023-09-18. Review status: criteria provided, single submitter. Criteria: ACMG Guidelines, 2015. Collection method: clinical testing. Allele origin: de novo. Affected: yes. Observed: 1 variant allele, 1 heterozygote.
Comment: ACMG categories: PS2,PM1,PM2,PM5,PP3,PP5

Institute of Human Genetics Munich, TUM University Hospital
Classification: Likely pathogenic for Loeys-Dietz syndrome 1. Last evaluated: 2017-12-09. Review status: criteria provided, single submitter. Criteria: Classification criteria August 2017. Collection method: clinical testing. Allele origin: de novo. Inheritance: Autosomal dominant inheritance. Affected: yes. Observed: 1 heterozygote.